The following is an entry in ClinVar:

NM_001142864.4(PIEZO1):c.2727G>A (p.Gly909=)

Genes: HSALR1 (HSP90AB1 associated lncRNA 1; plus strand), PIEZO1 (piezo type mechanosensitive ion channel component 1 (Er blood group); minus strand). Cytogenetic location: 16q24.3.
Variant type: single nucleotide variant.
Coding change: c.2727G>A on transcript NM_001142864.4 (MANE Select); coding-DNA position 2727, G replaced by A.
Protein change: p.Gly909=; no amino-acid change (glycine 909 retained).
Molecular consequence: synonymous variant.
Genome position (GRCh38, 1-based): chr16:88,732,670, C>T on the plus strand (G>A on the coding strand, the complement: PIEZO1 is on the minus strand). VCF-style: chr16-88732670-C-T. GRCh37 (hg19) VCF-style: chr16-88799078-C-T.
Identifiers: ClinVar variation 3357543 (VCV003357543.2).

ClinVar aggregate classification (germline): Benign. Review status: criteria provided, single submitter (1 of 4 stars). 2 submissions from 2 submitters: Benign (1). 1 of the submissions does not count toward it. Last evaluated 2025-12-14.

Conditions:
PIEZO1-related disorder. Also called: PIEZO1-related condition; PIEZO1-Related Disorders.

gnomAD v4.1: 106 of 1,548,960 alleles (0.0068%); highest among the groups gnomAD compares: Non-Finnish European, 0.0089%; no homozygotes.

Submissions (2):

Labcorp Genetics (formerly Invitae), Labcorp
Classification: Benign. Last evaluated: 2025-12-14. Review status: criteria provided, single submitter. Criteria: Invitae Variant Classification Sherloc (09022015). Collection method: clinical testing. Allele origin: germline.

PreventionGenetics, part of Exact Sciences
Classification: Likely benign for PIEZO1-related condition. Last evaluated: 2024-06-15. Review status: no assertion criteria provided. Collection method: clinical testing. Allele origin: germline. Not counted in ClinVar's aggregate classification.
Comment: This variant is classified as likely benign based on ACMG/AMP sequence variant interpretation guidelines (Richards et al. 2015 PMID: 25741868, with internal and published modifications).